The following is an entry in ClinVar:

ClinVar aggregate classification (germline): Likely pathogenic. Review status: reviewed by expert panel (3 of 4 stars). 13 submissions from 13 submitters: Likely pathogenic (1). 12 of the submissions do not count toward it. Last evaluated 2026-05-01.

Conditions:
Autosomal recessive limb-girdle muscular dystrophy. Identifiers: Orphanet 102015, MedGen C2931907, MONDO:0015152.
Autosomal recessive limb-girdle muscular dystrophy type 2D (LGMDR3). Also called: ADHALINOPATHY, PRIMARY; DUCHENNE-LIKE AUTOSOMAL RECESSIVE MUSCULAR DYSTROPHY, TYPE 2; MUSCULAR DYSTROPHY, LIMB-GIRDLE, AUTOSOMAL RECESSIVE 3. Identifiers: Orphanet 62, MedGen C2936332, MONDO:0011968, OMIM 608099. Disease mechanism: Affects gamma-sarcoglycan and also disrupts the integrity of the entire sarcoglycan complex..
SGCA-related disorder. Also called: SGCA-related condition.

Allele frequency attached by ClinVar (database versions not stated): TOPMed 0.00004; gnomAD 0.00005.

Submissions (13):

ClinGen Limb Girdle Muscular Dystrophy Variant Curation Expert Panel, ClinGen
Classification: Likely pathogenic for Autosomal recessive limb-girdle muscular dystrophy. Last evaluated: 2026-05-01. Review status: reviewed by expert panel. Criteria: ClinGen LGMD VCEP ACMG Specifications SGCA V2.0.0. Collection method: curation. Allele origin: germline. Inheritance: Autosomal recessive inheritance.
Comment: The NM_000023.4: c.614C>A variant in SGCA is a missense variant predicted to cause substitution of proline by histidine at amino acid 205, p.(Pro205His). This variant has been detected in at least five individuals with limb-girdle muscular dystrophy, including in a homozygous state in two patients, one with reported consanguinity (0.75 pts; PMID: 35948506; LOVD Individual #00468440). Three patients were presumed compound heterozygous for the variant and a second pathogenic variant (c.409G>A p.(Glu137Lys), 0.5 pts x2, PMID: 31069529, 9032047; c.269A>G p.(Tyr90Cys), 0.5 pts, GRASP-LGMD Consortium internal data communication). (PM3_Strong) At least one patient heterozygous for this variant and a second diagnostic SGCA variant displayed progressive limb girdle muscle weakness and absent alpha-sarcoglycan protein expression, which is highly specific for SGCA-related LGMD, but SGCD was not included in the genetic analysis (PP4; PMID: 9032047). The upper bound of the 95% confidence interval of the Grpmax variant allele frequency in gnomAD v4.1.1 is 0.0001404 (5/74894 African/African-American alleles), which is higher than the LGMD VCEP threshold (<0.00009) for PM2_Supporting, and therefore does not meet this criterion. An in vitro assay in an heterologous cell system has demonstrated that this variant disrupts membrane localization of the sarcoglycan complex (PS3_Moderate, Washington University internal data communication). The computational predictor REVEL gives a score of 0.84, which is above the threshold of 0.7, evidence that correlates with impact to SGCA function (PP3). In summary, this variant meets the criteria to be classified as Likely pathogenic for autosomal recessive limb girdle muscular dystrophy based on the ACMG/AMP criteria applied, as specified by the ClinGen LGMD VCEP (LGMD VCEP specifications version 2.0.0; 05/01/2026): PM3_Strong, PP4, PS3_Moderate, PP3.

Labcorp Genetics (formerly Invitae), Labcorp
Classification: Pathogenic for Autosomal recessive limb-girdle muscular dystrophy type 2D. Last evaluated: 2026-01-22. Review status: criteria provided, single submitter. Criteria: Invitae Variant Classification Sherloc (09022015). Collection method: clinical testing. Allele origin: germline. Not counted in ClinVar's aggregate classification.
Comment: This sequence change replaces proline, which is neutral and non-polar, with histidine, which is basic and polar, at codon 205 of the SGCA protein (p.Pro205His). This variant is present in population databases (rs757481230, gnomAD 0.007%). This missense change has been observed in individual(s) with limb-girdle muscular dystrophy (PMID: 9032047; internal data). In at least one individual the data is consistent with being in trans (on the opposite chromosome) from a pathogenic variant. ClinVar contains an entry for this variant (Variation ID: 289794). Invitae Evidence Modeling of protein sequence and biophysical properties (such as structural, functional, and spatial information, amino acid conservation, physicochemical variation, residue mobility, and thermodynamic stability) indicates that this missense variant is expected to disrupt SGCA protein function with a positive predictive value of 95%. This variant disrupts the p.Pro205 amino acid residue in SGCA. Other variant(s) that disrupt this residue have been observed in individuals with SGCA-related conditions (PMID: 18996010), which suggests that this may be a clinically significant amino acid residue. For these reasons, this variant has been classified as Pathogenic.

Variantyx, Inc.
Classification: Likely pathogenic for Autosomal recessive limb-girdle muscular dystrophy type 2D. Last evaluated: 2025-09-01. Review status: criteria provided, single submitter. Criteria: Variantyx Assertion Criteria 2022. Collection method: clinical testing. Allele origin: germline. Inheritance: Autosomal recessive inheritance. Affected: no. Not counted in ClinVar's aggregate classification.
Comment: This is a nonsynonymous variant in the SGCA gene (OMIM: 600119). Pathogenic variants in this gene have been associated with autosomal recessive limb-girdle muscular dystrophy 3. This variant has been identified in the homozygous or compound heterozygous state in at least 2 individuals reported in the published literature (PMID: 9032047, 31069529) (PM3). Multiple computational algorithms predict a deleterious effect for this variant (REVEL score: 0.84) (PP3), and alternate amino acid changes at this position (p.Pro205Leu, p.Pro205Ser) have been previously reported in similarly affected individuals, which suggests that this residue is biologically important (PMID: 18996010),(PM5_Supporting). This variant has a 0.0067% maximum allele frequency in non-founder control populations (PM2). Based on the current evidence, this variant is classified as likely pathogenic for autosomal recessive limb-girdle muscular dystrophy 3.

Fulgent Genetics
Classification: Likely pathogenic for Autosomal recessive limb-girdle muscular dystrophy type 2D. Last evaluated: 2024-06-12. Review status: criteria provided, single submitter. Criteria: ACMG Guidelines, 2015. Collection method: clinical testing. Allele origin: germline. Not counted in ClinVar's aggregate classification.

Natera, Inc.
Classification: Likely pathogenic for Limb-girdle muscular dystrophy type 2D. Last evaluated: 2024-05-07. Review status: criteria provided, single submitter. Criteria: Natera Variant Classification Schema (03/2026). Collection method: clinical testing. Allele origin: germline. Not counted in ClinVar's aggregate classification.
Comment: The c.614C>A variant in SGCA is a missense variant predicted to cause substitution of proline to histidine at amino acid 205. This variant is rare in the general population with a frequency below the threshold expected for the associated phenotype(s). This variant has been observed in one or more individuals affected with the associated recessive disease, as either homozygous or compound heterozygous with a second variant (PMID: 35948506, 31069529, 9032047). Computational prediction algorithms indicate this variant is likely to affect gene or protein function. Given the available evidence, this variant is classified as Likely Pathogenic.

Baylor Genetics
Classification: Pathogenic for Autosomal recessive limb-girdle muscular dystrophy type 2D. Last evaluated: 2024-03-08. Review status: criteria provided, single submitter. Criteria: ACMG Guidelines, 2015. Collection method: clinical testing. Allele origin: unknown. Not counted in ClinVar's aggregate classification.

Revvity Omics, Revvity
Classification: Likely pathogenic for Autosomal recessive limb-girdle muscular dystrophy type 2D. Last evaluated: 2024-01-24. Review status: criteria provided, single submitter. Criteria: ACMG Guidelines, 2015. Collection method: clinical testing. Allele origin: germline. Not counted in ClinVar's aggregate classification.

GeneDx
Classification: Likely pathogenic. Last evaluated: 2023-11-27. Review status: criteria provided, single submitter. Criteria: GeneDx Variant Classification Process June 2021. Collection method: clinical testing. Allele origin: germline. Affected: yes. Not counted in ClinVar's aggregate classification.
Comment: In silico analysis supports that this missense variant has a deleterious effect on protein structure/function; Not observed at significant frequency in large population cohorts (gnomAD); This variant is associated with the following publications: (PMID: 30564623, 24742800, 9032047, 31069529, 35948506)

Women's Health and Genetics/Laboratory Corporation of America, LabCorp
Classification: Likely pathogenic for Autosomal recessive limb-girdle muscular dystrophy. Last evaluated: 2023-06-01. Review status: criteria provided, single submitter. Criteria: LabCorp Variant Classification Summary - May 2015. Collection method: clinical testing. Allele origin: germline. Not counted in ClinVar's aggregate classification.
Comment: Variant summary: SGCA c.614C>A (p.Pro205His) results in a non-conservative amino acid change in the encoded protein sequence. Four of five in-silico tools predict a damaging effect of the variant on protein function. The variant allele was found at a frequency of 4e-06 in 251216 control chromosomes (gnomAD). c.614C>A has been reported in the literature in individuals affected with Limb-Girdle Muscular Dystrophy and hyperCKaemia (examples: Duggan_1997, Ganapathy_2019, Wong_2022). These data indicate that the variant is likely to be associated with disease. To our knowledge, no experimental evidence demonstrating an impact on protein function has been reported. The following publications have been ascertained in the context of this evaluation (PMID: 9032047, 31069529, 35948506). Six clinical diagnostic laboratories have submitted clinical-significance assessments for this variant to ClinVar after 2014 and classified the variant as pathogenic/likely pathogenic (n=4) or VUS (n=2). Based on the evidence outlined above, the variant was classified as likely pathogenic.

Athena Diagnostics
Classification: Likely pathogenic. Last evaluated: 2019-11-15. Review status: criteria provided, single submitter. Criteria: Athena Diagnostics Criteria. Collection method: clinical testing. Allele origin: unknown. Not counted in ClinVar's aggregate classification.
Comment: The frequency of this variant in the general population is consistent with pathogenicity. Found in at least one patient with expected phenotype for this gene. Predicted to have a damaging effect on the protein. In multiple individuals, this variant has been seen with a single recessive pathogenic variant in the same gene, suggesting this variant may also be pathogenic.

Eurofins Ntd Llc (ga)
Classification: Likely pathogenic. Last evaluated: 2018-07-04. Review status: criteria provided, single submitter. Criteria: EGL ClinVar v180209 classification definitions. Collection method: clinical testing. Allele origin: germline. Observed: 4 variant alleles, 2 heterozygotes, 2 homozygotes. Not counted in ClinVar's aggregate classification.

PreventionGenetics, part of Exact Sciences
Classification: Likely pathogenic for SGCA-related condition. Last evaluated: 2024-06-19. Review status: no assertion criteria provided. Collection method: clinical testing. Allele origin: germline. Not counted in ClinVar's aggregate classification.
Comment: The SGCA c.614C>A variant is predicted to result in the amino acid substitution p.Pro205His. This variant was reported, either in the homozygous state or along with a second potentially causative variant, in individuals with limb-girdle muscular dystrophy (Duggan et al. 1997. PubMed ID: 9032047; supplementary data, Ganapathy et al. 2019. PubMed ID: 31069529; Wong et al. 2022. PubMed ID: 35948506). This variant is reported in 0.0062% of alleles in individuals of African descent in gnomAD. This variant is interpreted as likely pathogenic.

Counsyl
Classification: Uncertain significance for Autosomal recessive limb-girdle muscular dystrophy type 2D. Last evaluated: 2017-10-30. Review status: no assertion criteria provided. Collection method: clinical testing. Allele origin: unknown. Not counted in ClinVar's aggregate classification.

Literature cited by the submitters: PubMed 9032047 (cited by 6 submitters); PubMed 18996010 (cited by Labcorp Genetics (formerly Invitae), Labcorp); PubMed 31069529 (cited by 3 submitters); PubMed 35948506 (cited by Natera, Inc. and Women's Health and Genetics/Laboratory Corporation of America, LabCorp); PubMed 24742800 (cited by Athena Diagnostics).

NM_000023.4(SGCA):c.614C>A (p.Pro205His)

Gene: SGCA (sarcoglycan alpha; plus strand). Cytogenetic location: 17q21.33.
Variant type: single nucleotide variant.
Coding change: c.614C>A on transcript NM_000023.4 (MANE Select); coding-DNA position 614, C replaced by A.
Protein change: p.Pro205His; replaces proline 205 with histidine.
Molecular consequence: missense variant. On other transcripts: non-coding transcript variant (1), intron variant (1).
Genome position (GRCh38, 1-based): chr17:50,169,121, C>A. VCF-style: chr17-50169121-C-A. GRCh37 (hg19) VCF-style: chr17-48246482-C-A.
Other names: NM_000023.4(SGCA):c.614C>A; c.584+549C>A (NM_001135697.3); short protein forms P205H.
Identifiers: ClinVar variation 289794 (VCV000289794.28), dbSNP rs757481230, ClinGen allele CA501043.
Genomic context (GRCh38, chr17:50,169,121, plus strand): 5'-TCTGCTGACAGTGACTTCTATCTGGTCCCAGGGTATACATTAAGGTGGGTTCTGCCTCAC[C>A]TTTTTCTACTTGCCTGAAGATGGTGGCATCCCCCGATAGCCACGCCCGCTGTGCCCAGGG-3'
Protein context (NP_000014.1, residues 195-215): GVYIKVGSAS[Pro205His]FSTCLKMVAS